The following is an entry in ClinVar:

ClinVar aggregate classification (germline): Uncertain significance (1 of 4 stars; one submission).

Conditions:
Autosomal dominant epilepsy with auditory features. Identifiers: Orphanet 101046, MedGen C1838062, MONDO:0010898.

Allele frequency attached by ClinVar (database versions not stated): gnomAD exomes below 0.00001; ExAC 0.00001.
gnomAD v4.1: 1 of 1,602,810 alleles (0.000062%); highest among the groups gnomAD compares: Non-Finnish European, 0.000085%; no homozygotes.

Submission:

Labcorp Genetics (formerly Invitae), Labcorp
Classification: Uncertain significance for Autosomal dominant epilepsy with auditory features. Last evaluated: 2018-04-14. Review status: criteria provided, single submitter. Criteria: Invitae Variant Classification Sherloc (09022015). Collection method: clinical testing. Allele origin: germline.
Comment: In summary, the available evidence is currently insufficient to determine the role of this variant in disease. Therefore, it has been classified as a Variant of Uncertain Significance. Algorithms developed to predict the effect of missense changes on protein structure and function do not agree on the potential impact of this missense change (SIFT: "Deleterious"; PolyPhen-2: "Benign"; Align-GVGD: "Class C25"). This variant has not been reported in the literature in individuals with LGI1-related disease. This variant is present in population databases (rs752672428, ExAC 0.002%). This sequence change replaces valine with alanine at codon 551 of the LGI1 protein (p.Val551Ala). The valine residue is moderately conserved and there is a small physicochemical difference between valine and alanine.

NM_005097.4(LGI1):c.1652T>C (p.Val551Ala)

Gene: LGI1 (leucine rich glioma inactivated 1; plus strand). Cytogenetic location: 10q23.33.
Variant type: single nucleotide variant.
Coding change: c.1652T>C on transcript NM_005097.4 (MANE Select); coding-DNA position 1652, T replaced by C.
Protein change: p.Val551Ala; replaces valine 551 with alanine.
Molecular consequence: missense variant. On other transcripts: non-coding transcript variant (1).
Genome position (GRCh38, 1-based): chr10:93,797,781, T>C. VCF-style: chr10-93797781-T-C. GRCh37 (hg19) VCF-style: chr10-95557538-T-C.
Other names: c.871T>C, p.Ser291Pro (NM_001308275.2); c.1508T>C, p.Val503Ala (NM_001308276.2); short protein forms V551A, S291P, V503A.
Identifiers: ClinVar variation 574298 (VCV000574298.10), dbSNP rs752672428, ClinGen allele CA5611286.